The following is an entry in ClinVar:

NM_020719.3(PRR12):c.3616_3627dup (p.Arg1209_Lys1210insGlyArgGlyArg)

Gene: PRR12 (proline rich 12; plus strand). Cytogenetic location: 19q13.33.
Variant type: Duplication.
Coding change: c.3616_3627dup on transcript NM_020719.3 (MANE Select); coding-DNA positions 3616 to 3627, 12 bases duplicated (GGCCGGGGTCGA).
Protein change: p.Arg1209_Lys1210insGlyArgGlyArg.
Molecular consequence: inframe insertion.
Genome position (GRCh38, 1-based): chr19:49,597,951-49,597,962, GGCCGGGGTCGA duplicated; duplicating any 12 consecutive bases within chr19:49,597,948-49,597,962 gives the same sequence; the c. name uses the placement nearest the transcript's 3' end. VCF-style (leftmost placement, unchanged base first): chr19-49597947-C-CCGAGGCCGGGGT. GRCh37 (hg19) VCF-style: chr19-50101204-C-CCGAGGCCGGGGT.
Identifiers: ClinVar variation 2279567 (VCV002279567.2), dbSNP rs2080786187, ClinGen allele CA996723781.

ClinVar aggregate classification (germline): Uncertain significance (1 of 4 stars; one submission).

Conditions:
Inborn genetic diseases. Identifiers: MedGen C0950123, MeSH D030342.

Submission:

Ambry Genetics
Classification: Uncertain significance for Inborn genetic diseases. Last evaluated: 2022-04-28. Review status: criteria provided, single submitter. Criteria: Ambry Variant Classification Scheme 2023. Collection method: clinical testing. Allele origin: germline.
Comment: The c.3616_3627dupGGCCGGGGTCGA () alteration is located in exon 4 (coding exon 4) of the PRR12 gene. The alteration consists of an in-frame duplication of 12 nucleotides from position 3616 to 3627, resulting in the duplication of <NA> residues. Based on insufficient or conflicting evidence, the clinical significance of this alteration remains unclear.